The following is an entry in ClinVar:

NM_001267550.2(TTN):c.102448G>A (p.Gly34150Arg)

Genes: TTN-AS1 (TTN antisense RNA 1; plus strand), TTN (titin; minus strand). Cytogenetic location: 2q31.2.
Variant type: single nucleotide variant.
Coding change: c.102448G>A on transcript NM_001267550.2 (MANE Select); coding-DNA position 102448, G replaced by A.
Protein change: p.Gly34150Arg; replaces glycine 34150 with arginine.
Molecular consequence: missense variant.
Genome position (GRCh38, 1-based): chr2:178,534,167, C>T on the plus strand (G>A on the coding strand, the complement: TTN is on the minus strand). VCF-style: chr2-178534167-C-T. GRCh37 (hg19) VCF-style: chr2-179398894-C-T.
Other names: c.97525G>A, p.Gly32509Arg (NM_001256850.1); c.75253G>A, p.Gly25085Arg (NM_003319.4); c.94744G>A, p.Gly31582Arg (NM_133378.4); c.75628G>A, p.Gly25210Arg (NM_133432.3); c.75829G>A, p.Gly25277Arg (NM_133437.4); short protein forms G31582R, G34150R, G25210R, G32509R, G25085R, G25277R.
Identifiers: ClinVar variation 1951154 (VCV001951154.8), dbSNP rs2468524241, ClinGen allele CA349417517.
Genomic context (GRCh38, chr2:178,534,167, plus strand): 5'-AAGTCACTTGGGTAGACTGATCATAATTTTCAATTTTGCATACATATTTGACATGTCCTC[C>T]TTCTTCACCAACTGCATGCATTATCTGCCCAGAAACTGGGCCAATTTCAATGGATGCCAC-3'
Protein context (NP_001254479.2, residues 34140-34160): GQIMHAVGEE[Gly34150Arg]GHVKYVCKIE

ClinVar aggregate classification (germline): Uncertain significance. Review status: criteria provided, multiple submitters, no conflicts (2 of 4 stars). 2 submissions from 2 submitters: Uncertain significance (2). Last evaluated 2022-03-05.

Conditions:
Dilated cardiomyopathy 1G (CMD1G). Identifiers: Orphanet 154, MedGen C1858763, MONDO:0011400, OMIM 604145.
Autosomal recessive limb-girdle muscular dystrophy type 2J (LGMDR10). Also called: MUSCULAR DYSTROPHY, LIMB-GIRDLE, AUTOSOMAL RECESSIVE 10; Limb-girdle muscular dystrophy, type 2J. Identifiers: Orphanet 140922, MedGen C1837342, MONDO:0012127, OMIM 608807.

Submissions (2):

Labcorp Genetics (formerly Invitae), Labcorp
Classification: Uncertain significance for Dilated cardiomyopathy 1G; Autosomal recessive limb-girdle muscular dystrophy type 2J. Last evaluated: 2022-03-05. Review status: criteria provided, single submitter. Criteria: Invitae Variant Classification Sherloc (09022015). Collection method: clinical testing. Allele origin: germline.
Comment: This variant has not been reported in the literature in individuals affected with TTN-related conditions. This variant is not present in population databases (gnomAD no frequency). This sequence change replaces glycine, which is neutral and non-polar, with arginine, which is basic and polar, at codon 34150 of the TTN protein (p.Gly34150Arg). Experimental studies and prediction algorithms are not available or were not evaluated, and the functional significance of this variant is currently unknown. This variant is located in the M band of TTN (PMID: 25589632). Variants in this region may be relevant for neuromuscular disorders, but have not been definitively shown to cause cardiomyopathy (PMID: 23975875). In summary, the available evidence is currently insufficient to determine the role of this variant in disease. Therefore, it has been classified as a Variant of Uncertain Significance.

Revvity Omics, Revvity
Classification: Uncertain significance. Last evaluated: 2020-12-28. Review status: criteria provided, single submitter. Criteria: ACMG Guidelines, 2015. Collection method: clinical testing. Allele origin: germline.

Literature cited by the submitters: PubMed 25589632 (cited by Labcorp Genetics (formerly Invitae), Labcorp); PubMed 23975875 (cited by Labcorp Genetics (formerly Invitae), Labcorp).